The following is an entry in ClinVar:

NM_004304.5(ALK):c.2251A>G (p.Met751Val)

Gene: ALK (ALK receptor tyrosine kinase; minus strand). Cytogenetic location: 2p23.2.
Variant type: single nucleotide variant.
Coding change: c.2251A>G on transcript NM_004304.5 (MANE Select); coding-DNA position 2251, A replaced by G.
Protein change: p.Met751Val; replaces methionine 751 with valine.
Molecular consequence: missense variant.
Genome position (GRCh38, 1-based): chr2:29,239,784, T>C on the plus strand (A>G on the coding strand, the complement: ALK is on the minus strand). VCF-style: chr2-29239784-T-C. GRCh37 (hg19) VCF-style: chr2-29462650-T-C.
Other names: short protein forms M751V.
Identifiers: ClinVar variation 3523693 (VCV003523693.3).

ClinVar aggregate classification (germline): Uncertain significance. Review status: criteria provided, multiple submitters, no conflicts (2 of 4 stars). 2 submissions from 2 submitters: Uncertain significance (2). Last evaluated 2024-11-12.

Conditions:
Hereditary cancer-predisposing syndrome. Also called: Hereditary Cancer Syndrome; Hereditary neoplastic syndrome; Neoplastic Syndromes, Hereditary; Tumor predisposition. Identifiers: Orphanet 140162, MedGen C0027672, MeSH D009386, MONDO:0015356.
Neuroblastoma, susceptibility to, 3. Also called: ALK-Related Neuroblastic Tumor Susceptibility. Identifiers: Orphanet 635, MedGen C2751681, MONDO:0013083, OMIM 613014.

Submissions (2):

Ambry Genetics
Classification: Uncertain significance for Hereditary cancer-predisposing syndrome. Last evaluated: 2024-11-12. Review status: criteria provided, single submitter. Criteria: Ambry Variant Classification Scheme 2023. Collection method: clinical testing. Allele origin: germline.
Comment: The p.M751V variant (also known as c.2251A>G), located in coding exon 13 of the ALK gene, results from an A to G substitution at nucleotide position 2251. The methionine at codon 751 is replaced by valine, an amino acid with highly similar properties. This amino acid position is conserved. In addition, this alteration is predicted to be tolerated by in silico analysis. Based on the available evidence, the clinical significance of this variant remains unclear.

Labcorp Genetics (formerly Invitae), Labcorp
Classification: Uncertain significance for Neuroblastoma, susceptibility to, 3. Last evaluated: 2024-04-04. Review status: criteria provided, single submitter. Criteria: Invitae Variant Classification Sherloc (09022015). Collection method: clinical testing. Allele origin: germline.
Comment: This sequence change replaces methionine, which is neutral and non-polar, with valine, which is neutral and non-polar, at codon 751 of the ALK protein (p.Met751Val). This variant is not present in population databases (gnomAD no frequency). This variant has not been reported in the literature in individuals affected with ALK-related conditions. An algorithm developed to predict the effect of missense changes on protein structure and function (PolyPhen-2) suggests that this variant is likely to be tolerated. In summary, the available evidence is currently insufficient to determine the role of this variant in disease. Therefore, it has been classified as a Variant of Uncertain Significance.